The following is an entry in ClinVar:

ClinVar aggregate classification (germline): Uncertain significance. Review status: criteria provided, multiple submitters, no conflicts (2 of 4 stars). 2 submissions from 2 submitters: Uncertain significance (2). Last evaluated 2023-11-21.

Conditions:
Inborn genetic diseases. Identifiers: MedGen C0950123, MeSH D030342.

Allele frequency attached by ClinVar (database versions not stated): gnomAD 0.00003; TOPMed 0.00003; ExAC 0.00006; ESP Exome Variant Server 0.00008; gnomAD exomes 0.00022.
gnomAD v4.1: 327 of 1,614,084 alleles (0.02%); highest among the groups gnomAD compares: Non-Finnish European, 0.026%; no homozygotes.

Submissions (2):

Ambry Genetics
Classification: Uncertain significance for Inborn genetic diseases. Last evaluated: 2023-11-21. Review status: criteria provided, single submitter. Criteria: Ambry Variant Classification Scheme 2023. Collection method: clinical testing. Allele origin: germline.

Labcorp Genetics (formerly Invitae), Labcorp
Classification: Uncertain significance. Last evaluated: 2021-12-24. Review status: criteria provided, single submitter. Criteria: Invitae Variant Classification Sherloc (09022015). Collection method: clinical testing. Allele origin: germline.
Comment: This variant is present in population databases (rs376110613, gnomAD 0.01%). This sequence change replaces asparagine, which is neutral and polar, with serine, which is neutral and polar, at codon 45 of the CRADD protein (p.Asn45Ser). This variant has not been reported in the literature in individuals affected with CRADD-related conditions. Algorithms developed to predict the effect of missense changes on protein structure and function are either unavailable or do not agree on the potential impact of this missense change (SIFT: "Not Available"; PolyPhen-2: "Benign"; Align-GVGD: "Not Available"). In summary, the available evidence is currently insufficient to determine the role of this variant in disease. Therefore, it has been classified as a Variant of Uncertain Significance.

NM_003805.5(CRADD):c.134A>G (p.Asn45Ser)

Gene: CRADD (CARD and death domain containing adaptor protein; plus strand). Cytogenetic location: 12q22.
Variant type: single nucleotide variant.
Coding change: c.134A>G on transcript NM_003805.5 (MANE Select); coding-DNA position 134, A replaced by G.
Protein change: p.Asn45Ser; replaces asparagine 45 with serine.
Molecular consequence: missense variant. On other transcripts: non-coding transcript variant (1).
Genome position (GRCh38, 1-based): chr12:93,678,908, A>G. VCF-style: chr12-93678908-A-G. GRCh37 (hg19) VCF-style: chr12-94072684-A-G.
Other names: c.134A>G (NM_003805.3); c.134A>G, p.Asn45Ser (NM_001320099.2, NM_001320100.2, NM_001320101.3 and 1 more transcripts); short protein forms N45S.
Identifiers: ClinVar variation 2416635 (VCV002416635.7), dbSNP rs376110613, ClinGen allele CA6720131.